The following is an entry in ClinVar:

NM_002578.5(PAK3):c.276+2697G>T

Gene: PAK3 (p21 (RAC1) activated kinase 3; plus strand). Cytogenetic location: Xq23.
Variant type: single nucleotide variant.
Coding change: c.276+2697G>T on transcript NM_002578.5 (MANE Select); 2697 bases into the intron after coding-DNA position 276, G replaced by T.
Molecular consequence: intron variant. On other transcripts: missense variant (2).
Genome position (GRCh38, 1-based): chrX:111,144,893, G>T. VCF-style: chrX-111144893-G-T. GRCh37 (hg19) VCF-style: chrX-110388121-G-T.
Other names: c.310G>T, p.Val104Phe (NM_001128168.3, NM_001128172.2); c.276+2697G>T (NM_001128166.3, NM_001324325.2, NM_001324330.2 and 5 more transcripts); c.277-1628G>T (NM_001128173.3, NM_001324329.2, NM_001324327.2 and 2 more transcripts); short protein forms V104F.
Identifiers: ClinVar variation 4976168 (VCV004976168.1).

ClinVar aggregate classification (germline): Uncertain significance (1 of 4 stars; one submission).

gnomAD v4.1: 2 of 1,134,361 alleles (0.00018%); highest among the groups gnomAD compares: Non-Finnish European, 0.00024%; no homozygotes.

Submission:

GeneDx
Classification: Uncertain significance. Last evaluated: 2026-02-06. Review status: criteria provided, single submitter. Criteria: GeneDx Variant Classification Process June 2021. Collection method: clinical testing. Allele origin: germline.
Comment: Not observed at significant frequency in large population cohorts (gnomAD); In silico analysis suggests that this missense variant does not alter protein structure/function; Has not been previously published as pathogenic or benign to our knowledge; Reported using an alternate transcript of the gene